The following is an entry in ClinVar:

NM_006031.6(PCNT):c.6150+48_6150+49insTGCGGCAGCAAGGTGTGGGGAGCGGGGAAGGCACGAGGCCCACCCGGGAGAGGCTGGACACGCGGCAGCAAGGTGTGGGGAGCGGGGAAGGCACAAGGCCCACCCGGGAGAGGCTGGACACGCGGCAGCAAGGTGTGGGGAGCGGGGAAGGCGCGAGGTCCCCCCGGGAGAGGCTGGACA

Gene: PCNT (pericentrin; plus strand). Cytogenetic location: 21q22.3.
Variant type: Microsatellite.
Coding change: c.6150+48_6150+49insTGCGGCAGCAAGGTGTGGGGAGCGGGGAAGGCACGAGGCCCACCCGGGAGAGGCTGGACACGCGGCAGCAAGGTGTGGGGAGCGGGGAAGGCACAAGGCCCACCCGGGAGAGGCTGGACACGCGGCAGCAAGGTGTGGGGAGCGGGGAAGGCGCGAGGTCCCCCCGGGAGAGGCTGGACA on transcript NM_006031.6 (MANE Select); bases 48 to 49 of the intron after coding-DNA position 6150, TGCGGCAGCAAGGTGTGGGGAGCGGGGAAGGCACGAGGCCCACCCGGGAGAGGCTGGACACGCGGCAGCAAGGTGTGGGGAGCGGGGAAGGCACAAGGCCCACCCGGGAGAGGCTGGACACGCGGCAGCAAGGTGTGGGGAGCGGGGAAGGCGCGAGGTCCCCCCGGGAGAGGCTGGACA inserted.
Molecular consequence: intron variant.
Genome position: GRCh38: chr21:46,413,004-46,413,040. GRCh37 (hg19): chr21:47,832,918-47,832,954.
Other names: c.5796+48_5796+49insTGCGGCAGCAAGGTGTGGGGAGCGGGGAAGGCACGAGGCCCACCCGGGAGAGGCTGGACACGCGGCAGCAAGGTGTGGGGAGCGGGGAAGGCACAAGGCCCACCCGGGAGAGGCTGGACACGCGGCAGCAAGGTGTGGGGAGCGGGGAAGGCGCGAGGTCCCCCCGGGAGAGGCTGGACA (NM_001315529.2).
Identifiers: ClinVar variation 1989696 (VCV001989696.1).

ClinVar aggregate classification (germline): Uncertain significance (1 of 4 stars; one submission).

Submission:

Labcorp Genetics (formerly Invitae), Labcorp
Classification: Uncertain significance. Last evaluated: 2021-09-17. Review status: criteria provided, single submitter. Criteria: Invitae Variant Classification Sherloc (09022015). Collection method: clinical testing. Allele origin: germline.
Comment: This sequence change falls in intron 29 of the PCNT gene. It does not directly change the encoded amino acid sequence of the PCNT protein. This variant is not present in population databases (ExAC no frequency). This variant has not been reported in the literature in individuals affected with PCNT-related conditions. Algorithms developed to predict the effect of sequence changes on RNA splicing suggest that this variant may create or strengthen a splice site. In summary, the available evidence is currently insufficient to determine the role of this variant in disease. Therefore, it has been classified as a Variant of Uncertain Significance.